The following is an entry in ClinVar:

NM_001042492.3(NF1):c.1063-11G>A

Gene: NF1 (neurofibromin 1; plus strand). Cytogenetic location: 17q11.2.
Variant type: single nucleotide variant.
Coding change: c.1063-11G>A on transcript NM_001042492.3 (MANE Select); 11 bases into the intron before coding-DNA position 1063, G replaced by A.
Molecular consequence: intron variant.
Genome position (GRCh38, 1-based): chr17:31,201,026, G>A. VCF-style: chr17-31201026-G-A. GRCh37 (hg19) VCF-style: chr17-29528044-G-A.
Other names: c.1063-11G>A (NM_000267.4, NM_001128147.3).
Identifiers: ClinVar variation 5018400 (VCV005018400.1).

ClinVar aggregate classification (germline): Uncertain significance (1 of 4 stars; one submission).

Submission:

GeneDx
Classification: Uncertain significance. Last evaluated: 2026-04-12. Review status: criteria provided, single submitter. Criteria: GeneDx Variant Classification Process June 2021. Collection method: clinical testing. Allele origin: germline.
Comment: Not observed at significant frequency in large population cohorts (gnomAD); In silico analysis supports a deleterious effect on splicing; Has not been previously published as pathogenic or benign to our knowledge